The following is an entry in ClinVar:

NM_005458.8(GABBR2):c.1708G>A (p.Ala570Thr)

Gene: GABBR2 (gamma-aminobutyric acid type B receptor subunit 2; minus strand). Cytogenetic location: 9q22.33.
Variant type: single nucleotide variant.
Coding change: c.1708G>A on transcript NM_005458.8 (MANE Select); coding-DNA position 1708, G replaced by A.
Protein change: p.Ala570Thr; replaces alanine 570 with threonine.
Molecular consequence: missense variant.
Genome position (GRCh38, 1-based): chr9:98,371,526, C>T on the plus strand (G>A on the coding strand, the complement: GABBR2 is on the minus strand). VCF-style: chr9-98371526-C-T. GRCh37 (hg19) VCF-style: chr9-101133808-C-T.
Other names: c.1708G>A (NM_005458.7); short protein forms A570T.
Identifiers: ClinVar variation 1016591 (VCV001016591.9), dbSNP rs772058401, ClinGen allele CA5152645.

ClinVar aggregate classification (germline): Uncertain significance. Review status: criteria provided, multiple submitters, no conflicts (2 of 4 stars). 2 submissions from 2 submitters: Uncertain significance (2). Last evaluated 2025-10-17.

Conditions:
Inborn genetic diseases. Identifiers: MedGen C0950123, MeSH D030342.
Epileptic encephalopathy. Identifiers: MedGen C0543888, HP:0200134.

Allele frequency attached by ClinVar (database versions not stated): gnomAD exomes 0.00001 and 0.00003; ExAC 0.00004.
gnomAD v4.1: 8 of 1,612,898 alleles (0.0005%); highest among the groups gnomAD compares: Non-Finnish European, 0.00068%; no homozygotes.

Submissions (2):

Ambry Genetics
Classification: Uncertain significance for Inborn genetic diseases. Last evaluated: 2025-10-17. Review status: criteria provided, single submitter. Criteria: Ambry Variant Classification Scheme 2023. Collection method: clinical testing. Allele origin: germline.
Comment: The c.1708G>A (p.A570T) alteration is located in exon 12 (coding exon 12) of the GABBR2 gene. This alteration results from a G to A substitution at nucleotide position 1708, causing the alanine (A) at amino acid position 570 to be replaced by a threonine (T). Based on data from gnomAD, the A allele has an overall frequency of 0.003% (7/251314) total alleles studied. The highest observed frequency was 0.006% (7/113624) of European (non-Finnish) alleles. Based on insufficient or conflicting evidence, the clinical significance of this alteration remains unclear.

Labcorp Genetics (formerly Invitae), Labcorp
Classification: Uncertain significance for Epileptic encephalopathy. Last evaluated: 2024-10-15. Review status: criteria provided, single submitter. Criteria: Invitae Variant Classification Sherloc (09022015). Collection method: clinical testing. Allele origin: germline.
Comment: This sequence change replaces alanine, which is neutral and non-polar, with threonine, which is neutral and polar, at codon 570 of the GABBR2 protein (p.Ala570Thr). This variant is present in population databases (rs772058401, gnomAD 0.006%). This variant has not been reported in the literature in individuals affected with GABBR2-related conditions. ClinVar contains an entry for this variant (Variation ID: 1016591). Invitae Evidence Modeling of protein sequence and biophysical properties (such as structural, functional, and spatial information, amino acid conservation, physicochemical variation, residue mobility, and thermodynamic stability) indicates that this missense variant is not expected to disrupt GABBR2 protein function with a negative predictive value of 80%. In summary, the available evidence is currently insufficient to determine the role of this variant in disease. Therefore, it has been classified as a Variant of Uncertain Significance.